The following is an entry in ClinVar:

ClinVar aggregate classification (germline): Likely pathogenic (1 of 4 stars; one submission).

Submission:

GeneDx
Classification: Likely pathogenic. Last evaluated: 2022-12-01. Review status: criteria provided, single submitter. Criteria: GeneDx Variant Classification Process June 2021. Collection method: clinical testing. Allele origin: germline. Affected: yes.
Comment: Frameshift variant predicted to result in protein truncation, as the last 65 amino acids are replaced with 3 different amino acids, and other loss-of-function variants have been reported downstream in HGMD; Not observed at significant frequency in large population cohorts (gnomAD); Has not been previously published as pathogenic or benign to our knowledge

NM_006060.6(IKZF1):c.1365_1368del (p.Ser455fs)

Gene: IKZF1 (IKAROS family zinc finger 1; plus strand). Cytogenetic location: 7p12.2.
Variant type: Deletion.
Coding change: c.1365_1368del on transcript NM_006060.6 (MANE Select); coding-DNA positions 1365 to 1368, 4 bases deleted (CGGG; older notation c.1365_1368delCGGG).
Protein change: p.Ser455fs; shifts the reading frame from serine 455.
Molecular consequence: frameshift variant.
Genome position (GRCh38, 1-based): chr7:50,400,432-50,400,435, CGGG deleted; deleting any 4 consecutive bases within chr7:50,400,431-50,400,435 gives the same sequence; the c. name uses the placement nearest the transcript's 3' end. VCF-style (leftmost placement, unchanged base first): chr7-50400430-AGCGG-A. GRCh37 (hg19) VCF-style: chr7-50468128-AGCGG-A.
Other names: c.1239_1242del, p.Ser413fs (NM_001220765.3, NM_001291837.2); c.1074_1077del, p.Ser358fs (NM_001220767.2); c.1104_1107del, p.Ser368fs (NM_001220768.2, NM_001291838.2); c.948_951del, p.Ser316fs (NM_001220770.2); c.936_939del, p.Ser312fs (NM_001220771.2, NM_001291841.1); c.978_981del, p.Ser326fs (NM_001291839.2); c.675_678del, p.Ser225fs (NM_001291840.1); c.906_909del, p.Ser302fs (NM_001291842.1); and 3 more; short protein forms S368fs, S413fs, S475fs, S260fs, S312fs, S326fs, S358fs, S455fs.
Identifiers: ClinVar variation 3572513 (VCV003572513.1).